The following is an entry in ClinVar:

NM_032608.7(MYO18B):c.1877A>G (p.Lys626Arg)

Gene: MYO18B (myosin XVIIIB; plus strand). Cytogenetic location: 22q12.1.
Variant type: single nucleotide variant.
Coding change: c.1877A>G on transcript NM_032608.7 (MANE Select); coding-DNA position 1877, A replaced by G.
Protein change: p.Lys626Arg; replaces lysine 626 with arginine.
Molecular consequence: missense variant.
Genome position (GRCh38, 1-based): chr22:25,777,590, A>G. VCF-style: chr22-25777590-A-G. GRCh37 (hg19) VCF-style: chr22-26173557-A-G.
Other names: c.1877A>G, p.Lys626Arg (NM_001318245.2); c.1877A>G (NM_032608.5); short protein forms K626R.
Identifiers: ClinVar variation 1407401 (VCV001407401.6), dbSNP rs201635679, ClinGen allele CA10159993.
Genomic context (GRCh38, chr22:25,777,590, plus strand): 5'-GCTCCCTAGGCAGTGGCTGGATGGGATGGCTGATACCTGTGATCTTCCTGCAGGTGCCCA[A>G]GGGCCGCCGGGATGGCCTGCCTGCCCACATTGGCTCCATGGCACAGCGGGCATACTGGGC-3'
Protein context (NP_115997.5, residues 616-636): PSVPSAGKVP[Lys626Arg]GRRDGLPAHI

ClinVar aggregate classification (germline): Conflicting classifications of pathogenicity. Review status: criteria provided, conflicting classifications (1 of 4 stars). 2 submissions from 2 submitters: Uncertain significance (1); Likely benign (1). Last evaluated 2023-08-27.

Conditions:
Inborn genetic diseases. Identifiers: MedGen C0950123, MeSH D030342.

Allele frequency attached by ClinVar (database versions not stated): gnomAD exomes 0.00005 and 0.00014; 1000 Genomes Project 30x 0.00016; 1000 Genomes Project 0.00020; TOPMed 0.00009; gnomAD 0.00011 and 0.00012; ExAC 0.00008.
gnomAD v4.1: 215 of 1,588,900 alleles (0.014%); highest among the groups gnomAD compares: Non-Finnish European, 0.018%; no homozygotes.

Submissions (2):

Labcorp Genetics (formerly Invitae), Labcorp
Classification: Uncertain significance. Last evaluated: 2023-08-27. Review status: criteria provided, single submitter. Criteria: Invitae Variant Classification Sherloc (09022015). Collection method: clinical testing. Allele origin: germline.
Comment: In summary, the available evidence is currently insufficient to determine the role of this variant in disease. Therefore, it has been classified as a Variant of Uncertain Significance. Algorithms developed to predict the effect of missense changes on protein structure and function output the following: SIFT: "Not Available"; PolyPhen-2: "Benign"; Align-GVGD: "Not Available". The arginine amino acid residue is found in multiple mammalian species, which suggests that this missense change does not adversely affect protein function. ClinVar contains an entry for this variant (Variation ID: 1407401). This variant has not been reported in the literature in individuals affected with MYO18B-related conditions. This variant is present in population databases (rs201635679, gnomAD 0.009%). This sequence change replaces lysine, which is basic and polar, with arginine, which is basic and polar, at codon 626 of the MYO18B protein (p.Lys626Arg).

Ambry Genetics
Classification: Likely benign for Inborn genetic diseases. Last evaluated: 2022-12-05. Review status: criteria provided, single submitter. Criteria: Ambry Variant Classification Scheme 2023. Collection method: clinical testing. Allele origin: germline.